The following is an entry in ClinVar:

NM_018406.7(MUC4):c.10600G>A (p.Ala3534Thr)

Gene: MUC4 (mucin 4, cell surface associated). Cytogenetic location: 3q29.
Variant type: single nucleotide variant.
Coding change: c.10600G>A on transcript NM_018406.7 (MANE Select); coding-DNA position 10600, G replaced by A.
Protein change: p.Ala3534Thr; replaces alanine 3534 with threonine.
Molecular consequence: missense variant. On other transcripts: genic upstream transcript variant (2).
Genome position (GRCh38, 1-based): chr3:195,780,980, C>T on the plus strand (G>A on the coding strand, the complement: MUC4 is on the minus strand). VCF-style: chr3-195780980-C-T. GRCh37 (hg19) VCF-style: chr3-195507851-C-T.
Other names: c.83-6675G>A (NM_138297.5); c.83-2525G>A (NM_004532.6); c.15370G>A, p.Ala5124Thr (NM_001322468.1); short protein forms A3534T, A5124T.
Identifiers: ClinVar variation 2654421 (VCV002654421.24), dbSNP rs201826718, ClinGen allele CA2770002.

ClinVar aggregate classification (germline): Likely benign (1 of 4 stars; one submission).

Submission:

CeGaT Center for Human Genetics Tuebingen
Classification: Likely benign. Last evaluated: 2023-08-01. Review status: criteria provided, single submitter. Criteria: CeGaT Center For Human Genetics Tuebingen Variant Classification Criteria Version 2. Collection method: clinical testing. Allele origin: germline. Affected: yes. Observed: 2 variant alleles.
Comment: MUC4: BS2